The following is an entry in ClinVar:

ClinVar aggregate classification (germline): Pathogenic (1 of 4 stars; one submission).

gnomAD v4.1: 1 of 1,614,048 alleles (0.000062%); highest among the groups gnomAD compares: Admixed American, 0.0017%; no homozygotes.

Submission:

Labcorp Genetics (formerly Invitae), Labcorp
Classification: Pathogenic. Last evaluated: 2022-11-11. Review status: criteria provided, single submitter. Criteria: Invitae Variant Classification Sherloc (09022015). Collection method: clinical testing. Allele origin: germline.
Comment: For these reasons, this variant has been classified as Pathogenic. This variant has not been reported in the literature in individuals affected with SLC26A5-related conditions. This variant is not present in population databases (gnomAD no frequency). This sequence change creates a premature translational stop signal (p.Tyr17*) in the SLC26A5 gene. It is expected to result in an absent or disrupted protein product. Loss-of-function variants in SLC26A5 are known to be pathogenic (PMID: 12239568, 24164807).

Literature cited by the submitters: PubMed 12239568; PubMed 24164807.

NM_198999.3(SLC26A5):c.51T>G (p.Tyr17Ter)

Gene: SLC26A5 (solute carrier family 26 member 5; minus strand). Cytogenetic location: 7q22.1.
Variant type: single nucleotide variant.
Coding change: c.51T>G on transcript NM_198999.3 (MANE Select); coding-DNA position 51, T replaced by G.
Protein change: p.Tyr17Ter; replaces tyrosine 17 with a stop codon.
Molecular consequence: nonsense. On other transcripts: non-coding transcript variant (5).
Genome position (GRCh38, 1-based): chr7:103,421,464, A>C on the plus strand (T>G on the coding strand, the complement: SLC26A5 is on the minus strand). VCF-style: chr7-103421464-A-C. GRCh37 (hg19) VCF-style: chr7-103061911-A-C.
Other names: c.51T>G, p.Tyr17Ter (NM_001167962.2, NM_001321787.2, NM_206883.3 and 2 more transcripts); short protein forms Y17*.
Identifiers: ClinVar variation 2970613 (VCV002970613.3), dbSNP rs2116727279, ClinGen allele CA368738283.